The following is an entry in ClinVar:

NM_001211.6(BUB1B):c.2092A>G (p.Ile698Val)

Gene: BUB1B (BUB1 mitotic checkpoint serine/threonine kinase B; plus strand). Cytogenetic location: 15q15.1.
Variant type: single nucleotide variant.
Coding change: c.2092A>G on transcript NM_001211.6 (MANE Select); coding-DNA position 2092, A replaced by G.
Protein change: p.Ile698Val; replaces isoleucine 698 with valine.
Molecular consequence: missense variant.
Genome position (GRCh38, 1-based): chr15:40,208,719, A>G. VCF-style: chr15-40208719-A-G. GRCh37 (hg19) VCF-style: chr15-40500920-A-G.
Other names: c.2092A>G (NM_001211.5); short protein forms I698V.
Identifiers: ClinVar variation 1000355 (VCV001000355.13), dbSNP rs754481856, ClinGen allele CA7475947.
Genomic context (GRCh38, chr15:40,208,719, plus strand): 5'-GAAGCCACACACTCCTCTGGCTTCTCTGGTTCTTCTGCCTCGGTTGCAAGCACCTCCTCC[A>G]TCAAATGTCTTCAAATTCCTGAGAAACTAGAACTTACTAATGAGACTTCAGGTAGGATAT-3'
Protein context (NP_001202.5, residues 688-708): SSASVASTSS[Ile698Val]KCLQIPEKLE

ClinVar aggregate classification (germline): Uncertain significance. Review status: criteria provided, multiple submitters, no conflicts (2 of 4 stars). 3 submissions from 3 submitters: Uncertain significance (3). Last evaluated 2024-07-08.

Conditions:
Inborn genetic diseases. Identifiers: MedGen C0950123, MeSH D030342.
Mosaic variegated aneuploidy syndrome 1 (MVA1). Also called: Warburton-Anyane-Yeboa syndrome. Identifiers: Orphanet 1052, MedGen C1850343, MONDO:0009759, OMIM 257300.

Allele frequency attached by ClinVar (database versions not stated): TOPMed below 0.00001; gnomAD exomes 0.00001 and 0.00003; ExAC 0.00002.
gnomAD v4.1: 14 of 1,613,738 alleles (0.00087%); highest among the groups gnomAD compares: South Asian, 0.0088%; no homozygotes.

Submissions (3):

Labcorp Genetics (formerly Invitae), Labcorp
Classification: Uncertain significance for Mosaic variegated aneuploidy syndrome 1. Last evaluated: 2024-07-08. Review status: criteria provided, single submitter. Criteria: Invitae Variant Classification Sherloc (09022015). Collection method: clinical testing. Allele origin: germline.
Comment: This sequence change replaces isoleucine, which is neutral and non-polar, with valine, which is neutral and non-polar, at codon 698 of the BUB1B protein (p.Ile698Val). This variant is present in population databases (rs754481856, gnomAD 0.02%). This variant has not been reported in the literature in individuals affected with BUB1B-related conditions. ClinVar contains an entry for this variant (Variation ID: 1000355). An algorithm developed to predict the effect of missense changes on protein structure and function (PolyPhen-2) suggests that this variant is likely to be tolerated. In summary, the available evidence is currently insufficient to determine the role of this variant in disease. Therefore, it has been classified as a Variant of Uncertain Significance.

Revvity Omics, Revvity
Classification: Uncertain significance. Last evaluated: 2023-09-06. Review status: criteria provided, single submitter. Criteria: ACMG Guidelines, 2015. Collection method: clinical testing. Allele origin: germline.

Ambry Genetics
Classification: Uncertain significance for Inborn genetic diseases. Last evaluated: 2023-06-01. Review status: criteria provided, single submitter. Criteria: Ambry Variant Classification Scheme 2023. Collection method: clinical testing. Allele origin: germline.
Comment: The p.I698V variant (also known as c.2092A>G), located in coding exon 16 of the BUB1B gene, results from an A to G substitution at nucleotide position 2092. The isoleucine at codon 698 is replaced by valine, an amino acid with highly similar properties. This amino acid position is conserved. In addition, this alteration is predicted to be tolerated by in silico analysis. Since supporting evidence is limited at this time, the clinical significance of this alteration remains unclear.